The following is an entry in ClinVar:

ClinVar aggregate classification (germline): Uncertain significance (1 of 4 stars; one submission).

Submission:

GeneDx
Classification: Uncertain significance. Last evaluated: 2024-05-07. Review status: criteria provided, single submitter. Criteria: GeneDx Variant Classification Process June 2021. Collection method: clinical testing. Allele origin: germline. Affected: yes.
Comment: Not observed at significant frequency in large population cohorts (gnomAD); In silico analysis indicates that this missense variant does not alter protein structure/function; Has not been previously published as pathogenic or benign to our knowledge

NM_014159.7(SETD2):c.4328C>T (p.Ala1443Val)

Gene: SETD2 (SET domain containing 2, histone lysine methyltransferase; minus strand). Cytogenetic location: 3p21.31.
Variant type: single nucleotide variant.
Coding change: c.4328C>T on transcript NM_014159.7 (MANE Select); coding-DNA position 4328, C replaced by T.
Protein change: p.Ala1443Val; replaces alanine 1443 with valine.
Molecular consequence: missense variant. On other transcripts: non-coding transcript variant (1).
Genome position (GRCh38, 1-based): chr3:47,120,308, G>A on the plus strand (C>T on the coding strand, the complement: SETD2 is on the minus strand). VCF-style: chr3-47120308-G-A. GRCh37 (hg19) VCF-style: chr3-47161798-G-A.
Other names: c.4196C>T, p.Ala1399Val (NM_001349370.3); short protein forms A1399V, A1443V.
Identifiers: ClinVar variation 3375577 (VCV003375577.1).
Genomic context (GRCh38, chr3:47,120,308, plus strand): 5'-CATTCCTTCCATCGCTGTGGGTCCCTGAAGTCATCCATGACACAGGAGGGCCCAACCAGT[G>A]CTGAACCTGGGGGCACTGATGTCTCTCCCTGCTCTACCTCCACTCTAACTTTCTTTCTGT-3'
Protein context (NP_054878.5, residues 1433-1453): QGETSVPPGS[Ala1443Val]LVGPSCVMDD